The following is an entry in ClinVar:

NM_000548.5(TSC2):c.4493+1G>C

Gene: TSC2 (TSC complex subunit 2; plus strand). Cytogenetic location: 16p13.3.
Variant type: single nucleotide variant.
Coding change: c.4493+1G>C on transcript NM_000548.5 (MANE Select); the canonical splice donor site of the intron after coding-DNA position 4493, G replaced by C.
Molecular consequence: splice donor variant.
Genome position (GRCh38, 1-based): chr16:2,084,716, G>C. VCF-style: chr16-2084716-G-C. GRCh37 (hg19) VCF-style: chr16-2134717-G-C.
Other names: c.2951+1G>C (NM_001406693.1, NM_001406692.1, NM_001406694.1); c.4385+1G>C (NM_001406667.1); c.4382+1G>C (NM_001406668.1); c.3893+1G>C (NM_001406680.1); c.3824+1G>C (NM_001406683.1, NM_001406682.1); c.3692+1G>C (NM_001406687.1, NM_001406688.1); c.3080+1G>C (NM_001406689.1); c.3020+1G>C (NM_001406690.1); and 26 more.
Identifiers: ClinVar variation 2012670 (VCV002012670.4), dbSNP rs1057518230, ClinGen allele CA394302637.

ClinVar aggregate classification (germline): Pathogenic (1 of 4 stars; one submission).

Conditions:
Tuberous sclerosis 2 (TSC2). Identifiers: Orphanet 805, MedGen C1860707, MONDO:0013199, OMIM 613254.

Submission:

Labcorp Genetics (formerly Invitae), Labcorp
Classification: Pathogenic for Tuberous sclerosis 2. Last evaluated: 2024-03-04. Review status: criteria provided, single submitter. Criteria: Invitae Variant Classification Sherloc (09022015). Collection method: clinical testing. Allele origin: germline.
Comment: This sequence change affects a donor splice site in intron 34 of the TSC2 gene. It is expected to disrupt RNA splicing. Variants that disrupt the donor or acceptor splice site typically lead to a loss of protein function (PMID: 16199547), and loss-of-function variants in TSC2 are known to be pathogenic (PMID: 10205261, 17304050). This variant is not present in population databases (gnomAD no frequency). Disruption of this splice site has been observed in individual(s) with clinical features of tuberous sclerosis complex and/or tuberous sclerosis complex (PMID: 25782670; Invitae). ClinVar contains an entry for this variant (Variation ID: 2012670). Algorithms developed to predict the effect of sequence changes on RNA splicing suggest that this variant may disrupt the consensus splice site. For these reasons, this variant has been classified as Pathogenic.

Literature cited by the submitters: PubMed 16199547; PubMed 10205261; PubMed 17304050; PubMed 25782670.